The following is an entry in ClinVar:

NM_001278669.2(NFATC1):c.197C>T (p.Pro66Leu)

Gene: NFATC1 (nuclear factor of activated T cells 1; plus strand). Cytogenetic location: 18q23.
Variant type: single nucleotide variant.
Coding change: c.197C>T on transcript NM_001278669.2 (MANE Select); coding-DNA position 197, C replaced by T.
Protein change: p.Pro66Leu; replaces proline 66 with leucine.
Molecular consequence: missense variant. On other transcripts: intron variant (2).
Genome position (GRCh38, 1-based): chr18:79,410,472, C>T. VCF-style: chr18-79410472-C-T. GRCh37 (hg19) VCF-style: chr18-77170472-C-T.
Other names: c.197C>T, p.Pro66Leu (NM_001278670.2, NM_006162.5, NM_172390.3); c.158C>T, p.Pro53Leu (NM_001278672.2, NM_001278675.2, NM_172387.3 and 1 more transcripts); c.-191+14121C>T (NM_172388.3); c.-191+9993C>T (NM_001278673.2); short protein forms P53L, P66L.
Identifiers: ClinVar variation 4740385 (VCV004740385.1).

ClinVar aggregate classification (germline): Uncertain significance (1 of 4 stars; one submission).

gnomAD v4.1: 106 of 1,612,424 alleles (0.0066%); highest among the groups gnomAD compares: African/African-American, 0.083%; no homozygotes.

Submission:

Labcorp Genetics (formerly Invitae), Labcorp
Classification: Uncertain significance. Last evaluated: 2025-08-06. Review status: criteria provided, single submitter. Criteria: Invitae Variant Classification Sherloc (09022015). Collection method: clinical testing. Allele origin: germline.
Comment: This sequence change replaces proline, which is neutral and non-polar, with leucine, which is neutral and non-polar, at codon 66 of the NFATC1 protein (p.Pro66Leu). This variant is present in population databases (rs148104245, gnomAD 0.08%), and has an allele count higher than expected for a pathogenic variant. This missense change has been observed in individual(s) with tricuspid atresia (PMID: 23226213). An algorithm developed to predict the effect of missense changes on protein structure and function (PolyPhen-2) suggests that this variant is likely to be tolerated. Experimental studies have shown that this missense change affects NFATC1 function (PMID: 23226213). In summary, the available evidence is currently insufficient to determine the role of this variant in disease. Therefore, it has been classified as a Variant of Uncertain Significance.

Literature cited by the submitters: PubMed 23226213.